The following is an entry in ClinVar:

ClinVar aggregate classification (germline): Uncertain significance. Review status: criteria provided, multiple submitters, no conflicts (2 of 4 stars). 2 submissions from 2 submitters: Uncertain significance (2). Last evaluated 2025-10-05.

Conditions:
Inborn genetic diseases. Identifiers: MedGen C0950123, MeSH D030342.

Submissions (2):

Ambry Genetics
Classification: Uncertain significance for Inborn genetic diseases. Last evaluated: 2025-10-05. Review status: criteria provided, single submitter. Criteria: Ambry Variant Classification Scheme 2023. Collection method: clinical testing. Allele origin: germline.
Comment: The p.K1465R variant (also known as c.4394A>G), located in coding exon 13 of the ASXL1 gene, results from an A to G substitution at nucleotide position 4394. The lysine at codon 1465 is replaced by arginine, an amino acid with highly similar properties. This amino acid position is conserved. In addition, this alteration is predicted to be tolerated by in silico analysis. Based on the available evidence, the clinical significance of this variant remains unclear.

Greenwood Genetic Center Diagnostic Laboratories, Greenwood Genetic Center
Classification: Uncertain significance. Last evaluated: 2025-05-27. Review status: criteria provided, single submitter. Criteria: ACMG Guidelines, 2015. Collection method: clinical testing. Allele origin: germline. Affected: yes.
Comment: PM2, BP1, BP4

NM_015338.6(ASXL1):c.4394A>G (p.Lys1465Arg)

Gene: ASXL1 (ASXL transcriptional regulator 1; plus strand). Cytogenetic location: 20q11.21.
Variant type: single nucleotide variant.
Coding change: c.4394A>G on transcript NM_015338.6 (MANE Select); coding-DNA position 4394, A replaced by G.
Protein change: p.Lys1465Arg; replaces lysine 1465 with arginine.
Molecular consequence: missense variant.
Genome position (GRCh38, 1-based): chr20:32,437,106, A>G. VCF-style: chr20-32437106-A-G. GRCh37 (hg19) VCF-style: chr20-31024909-A-G.
Other names: c.4211A>G, p.Lys1404Arg (NM_001363734.1); short protein forms K1404R, K1465R.
Identifiers: ClinVar variation 4538255 (VCV004538255.2).